The following is an entry in ClinVar:

NM_000057.4(BLM):c.796A>G (p.Arg266Gly)

Gene: BLM (BLM RecQ like helicase; plus strand). Cytogenetic location: 15q26.1.
Variant type: single nucleotide variant.
Coding change: c.796A>G on transcript NM_000057.4 (MANE Select); coding-DNA position 796, A replaced by G.
Protein change: p.Arg266Gly; replaces arginine 266 with glycine.
Molecular consequence: missense variant. On other transcripts: 5 prime UTR variant (1).
Genome position (GRCh38, 1-based): chr15:90,750,064, A>G. VCF-style: chr15-90750064-A-G. GRCh37 (hg19) VCF-style: chr15-91293294-A-G.
Other names: c.796A>G, p.Arg266Gly (NM_001287246.2, NM_001287247.2); c.-496A>G (NM_001287248.2); c.796A>G (NM_000057.2); short protein forms R266G.
Identifiers: ClinVar variation 860441 (VCV000860441.13), dbSNP rs1895641246, ClinGen allele CA393841582.

ClinVar aggregate classification (germline): Conflicting classifications of pathogenicity. Review status: criteria provided, conflicting classifications (1 of 4 stars). 4 submissions from 4 submitters: Uncertain significance (2); Likely benign (1). 1 of the submissions does not count toward it. Last evaluated 2024-08-28.

Conditions:
Hereditary cancer-predisposing syndrome. Also called: Tumor predisposition; Hereditary neoplastic syndrome; Neoplastic Syndromes, Hereditary; Hereditary Cancer Syndrome. Identifiers: Orphanet 140162, MedGen C0027672, MeSH D009386, MONDO:0015356.
Bloom syndrome (BLM). Also called: Bloom-Torre-Machacek syndrome. Identifiers: Orphanet 125, MedGen C0005859, MONDO:0008876, OMIM 210900.

Allele frequency attached by ClinVar (database versions not stated): gnomAD exomes 0.00001.
gnomAD v4.1: 12 of 1,613,732 alleles (0.00074%); highest among the groups gnomAD compares: Non-Finnish European, 0.001%; no homozygotes.

Submissions (4):

Ambry Genetics
Classification: Likely benign for Hereditary cancer-predisposing syndrome. Last evaluated: 2024-08-28. Review status: criteria provided, single submitter. Criteria: Ambry Variant Classification Scheme 2023. Collection method: clinical testing. Allele origin: germline.

Labcorp Genetics (formerly Invitae), Labcorp
Classification: Uncertain significance for Bloom syndrome. Last evaluated: 2023-03-31. Review status: criteria provided, single submitter. Criteria: Invitae Variant Classification Sherloc (09022015). Collection method: clinical testing. Allele origin: germline.
Comment: This sequence change replaces arginine, which is basic and polar, with glycine, which is neutral and non-polar, at codon 266 of the BLM protein (p.Arg266Gly). This variant is not present in population databases (gnomAD no frequency). This variant has not been reported in the literature in individuals affected with BLM-related conditions. ClinVar contains an entry for this variant (Variation ID: 860441). Algorithms developed to predict the effect of missense changes on protein structure and function output the following: SIFT: "Not Available"; PolyPhen-2: "Benign"; Align-GVGD: "Not Available". The glycine amino acid residue is found in multiple mammalian species, which suggests that this missense change does not adversely affect protein function. In summary, the available evidence is currently insufficient to determine the role of this variant in disease. Therefore, it has been classified as a Variant of Uncertain Significance.

Quest Diagnostics Nichols Institute San Juan Capistrano
Classification: Uncertain significance. Last evaluated: 2021-04-28. Review status: criteria provided, single submitter. Criteria: Quest Diagnostics criteria. Collection method: clinical testing. Allele origin: unknown.

Natera, Inc.
Classification: Uncertain significance for Bloom syndrome. Last evaluated: 2021-05-06. Review status: no assertion criteria provided. Collection method: clinical testing. Allele origin: germline. Not counted in ClinVar's aggregate classification.